The following is an entry in ClinVar:

ClinVar aggregate classification (germline): Benign. Review status: criteria provided, multiple submitters, no conflicts (2 of 4 stars). 6 submissions from 6 submitters: Benign (5). 1 of the submissions does not count toward it. Last evaluated 2026-01-16.

Conditions:
Triosephosphate isomerase deficiency (TPID). Also called: Triose phosphate isomerase deficiency. Identifiers: Orphanet 868, MedGen C1860808, MONDO:0014221, OMIM 615512.
TPI1-related disorder. Also called: TPI1-related condition.

Allele frequency attached by ClinVar (database versions not stated): gnomAD 0.00104 and 0.00223; TOPMed 0.00160; ESP Exome Variant Server 0.00177; gnomAD exomes 0.00400 and 0.00658; ExAC 0.00708; 1000 Genomes Project 30x 0.00796; 1000 Genomes Project 0.00859.
gnomAD v4.1: 6,240 of 1,613,728 alleles (0.39%); highest among the groups gnomAD compares: South Asian, 4%; 142 homozygotes.

Submissions (6):

Labcorp Genetics (formerly Invitae), Labcorp
Classification: Benign. Last evaluated: 2026-01-16. Review status: criteria provided, single submitter. Criteria: Invitae Variant Classification Sherloc (09022015). Collection method: clinical testing. Allele origin: germline.

ARUP Laboratories, Molecular Genetics and Genomics, ARUP Laboratories
Classification: Benign for Triosephosphate isomerase deficiency. Last evaluated: 2025-06-19. Review status: criteria provided, single submitter. Criteria: ARUP Molecular Germline Variant Investigation Process 2024. Collection method: clinical testing. Allele origin: germline.

Mayo Clinic Laboratories, Mayo Clinic
Classification: Benign. Last evaluated: 2022-06-24. Review status: criteria provided, single submitter. Criteria: ACMG Guidelines, 2015. Collection method: clinical testing. Allele origin: germline. Observed: 19 variant alleles.
Comment: BS1, BS2, BP4

Illumina Laboratory Services, Illumina
Classification: Benign for Triosephosphate isomerase deficiency. Last evaluated: 2018-01-13. Review status: criteria provided, single submitter. Criteria: ICSL Variant Classification Criteria 13 December 2019. Collection method: clinical testing. Allele origin: germline.
Comment: This variant was observed in the ICSL laboratory as part of a predisposition screen in an ostensibly healthy population. It had not been previously curated by ICSL or reported in the Human Gene Mutation Database (HGMD: prior to June 1st, 2018), and was therefore a candidate for classification through an automated scoring system. Utilizing variant allele frequency, disease prevalence and penetrance estimates, and inheritance mode, an automated score was calculated to assess if this variant is too frequent to cause the disease. Based on the score and internal cut-off values, a variant classified as benign is not then subjected to further curation. The score for this variant resulted in a classification of benign for this disease.

Breakthrough Genomics
Classification: Benign. Review status: criteria provided, single submitter. Criteria: ACMG Guidelines, 2015. Collection method: not provided. Allele origin: germline. Inheritance: Autosomal recessive inheritance. Affected: yes.

PreventionGenetics, part of Exact Sciences
Classification: Benign for TPI1-related condition. Last evaluated: 2019-03-18. Review status: no assertion criteria provided. Collection method: clinical testing. Allele origin: germline. Not counted in ClinVar's aggregate classification.
Comment: This variant is classified as benign based on ACMG/AMP sequence variant interpretation guidelines (Richards et al. 2015 PMID: 25741868, with internal and published modifications).

NM_000365.6(TPI1):c.321T>C (p.Asp107=)

Gene: TPI1 (triosephosphate isomerase 1; plus strand). Cytogenetic location: 12p13.31.
Variant type: single nucleotide variant.
Coding change: c.321T>C on transcript NM_000365.6 (MANE Select); coding-DNA position 321, T replaced by C.
Protein change: p.Asp107=; no amino-acid change (aspartic acid 107 retained).
Molecular consequence: synonymous variant.
Genome position (GRCh38, 1-based): chr12:6,869,180, T>C. VCF-style: chr12-6869180-T-C. GRCh37 (hg19) VCF-style: chr12-6978344-T-C.
Other names: p.Asp107=; c.432T>C, p.Asp144= (NM_001159287.1); c.75T>C, p.Asp25= (NM_001258026.2).
Identifiers: ClinVar variation 310360 (VCV000310360.29), dbSNP rs141972556, ClinGen allele CA6418897.